The following is an entry in ClinVar:

NM_031372.4(HNRNPDL):c.453T>C (p.Phe151=)

Gene: HNRNPDL (heterogeneous nuclear ribonucleoprotein D like; minus strand). Cytogenetic location: 4q21.22.
Variant type: single nucleotide variant.
Coding change: c.453T>C on transcript NM_031372.4 (MANE Select); coding-DNA position 453, T replaced by C.
Protein change: p.Phe151=; no amino-acid change (phenylalanine 151 retained).
Molecular consequence: synonymous variant. On other transcripts: non-coding transcript variant (1).
Genome position (GRCh38, 1-based): chr4:82,428,437, A>G on the plus strand (T>C on the coding strand, the complement: HNRNPDL is on the minus strand). VCF-style: chr4-82428437-A-G. GRCh37 (hg19) VCF-style: chr4-83349590-A-G.
Other names: p.Phe151=; c.453T>C (NM_031372.3); c.453T>C, p.Phe151= (NM_001207000.1).
Identifiers: ClinVar variation 1133410 (VCV001133410.10), dbSNP rs1206246726, ClinGen allele CA440230947.

ClinVar aggregate classification (germline): Likely benign. Review status: criteria provided, multiple submitters, no conflicts (2 of 4 stars). 2 submissions from 2 submitters: Likely benign (2). Last evaluated 2025-06-09.

Conditions:
Autosomal dominant limb-girdle muscular dystrophy type 1G (LGMDD3). Also called: Limb-girdle muscular dystrophy, type 1G; MUSCULAR DYSTROPHY, LIMB-GIRDLE, AUTOSOMAL DOMINANT 3. Identifiers: Orphanet 55596, MedGen C1836765, MONDO:0012193, OMIM 609115.

Allele frequency attached by ClinVar (database versions not stated): gnomAD exomes 0.00002 and 0.00003; TOPMed 0.00002; gnomAD 0.00003.
gnomAD v4.1: 53 of 1,598,662 alleles (0.0033%); highest among the groups gnomAD compares: Admixed American, 0.0052%; no homozygotes.

Submissions (2):

Mayo Clinic Laboratories, Mayo Clinic
Classification: Likely benign. Last evaluated: 2025-06-09. Review status: criteria provided, single submitter. Criteria: ACMG Guidelines, 2015. Collection method: clinical testing. Allele origin: germline. Observed: 1 variant allele.
Comment: BS2, BP4, BP7

Labcorp Genetics (formerly Invitae), Labcorp
Classification: Likely benign for Autosomal dominant limb-girdle muscular dystrophy type 1G. Last evaluated: 2024-06-23. Review status: criteria provided, single submitter. Criteria: Invitae Variant Classification Sherloc (09022015). Collection method: clinical testing. Allele origin: germline.